The following is an entry in ClinVar:

NM_001291303.3(FAT4):c.5053C>G (p.Arg1685Gly)

Gene: FAT4 (FAT atypical cadherin 4; plus strand). Cytogenetic location: 4q28.1.
Variant type: single nucleotide variant.
Coding change: c.5053C>G on transcript NM_001291303.3 (MANE Select); coding-DNA position 5053, C replaced by G.
Protein change: p.Arg1685Gly; replaces arginine 1685 with glycine.
Molecular consequence: missense variant.
Genome position (GRCh38, 1-based): chr4:125,321,464, C>G. VCF-style: chr4-125321464-C-G. GRCh37 (hg19) VCF-style: chr4-126242619-C-G.
Other names: c.5053C>G, p.Arg1685Gly (NM_001291285.3, NM_024582.6); short protein forms R1685G.
Identifiers: ClinVar variation 1498121 (VCV001498121.8), dbSNP rs760759561, ClinGen allele CA358129579.
Genomic context (GRCh38, chr4:125,321,464, plus strand): 5'-TATTATATTGTTTCAGTTCGTTGTGAAGAAAAAACTGTTGGACGCCTCTTTACTATTGGA[C>G]GACATACTGGTATAATTCAGACCGCAGCCATTCTGGACCGGGAGCAAGGAGCATGTCTTT-3'
Protein context (NP_001278232.1, residues 1675-1695): KTVGRLFTIG[Arg1685Gly]HTGIIQTAAI

ClinVar aggregate classification (germline): Uncertain significance (1 of 4 stars; one submission).

Submission:

Labcorp Genetics (formerly Invitae), Labcorp
Classification: Uncertain significance. Last evaluated: 2022-01-15. Review status: criteria provided, single submitter. Criteria: Invitae Variant Classification Sherloc (09022015). Collection method: clinical testing. Allele origin: germline.
Comment: Algorithms developed to predict the effect of sequence changes on RNA splicing suggest that this variant may create or strengthen a splice site. This sequence change replaces arginine, which is basic and polar, with glycine, which is neutral and non-polar, at codon 1685 of the FAT4 protein (p.Arg1685Gly). This variant is not present in population databases (gnomAD no frequency). This variant has not been reported in the literature in individuals affected with FAT4-related conditions. Advanced modeling of protein sequence and biophysical properties (such as structural, functional, and spatial information, amino acid conservation, physicochemical variation, residue mobility, and thermodynamic stability) performed at Invitae indicates that this missense variant is not expected to disrupt FAT4 protein function. In summary, the available evidence is currently insufficient to determine the role of this variant in disease. Therefore, it has been classified as a Variant of Uncertain Significance.